The following is an entry in ClinVar:

NM_006939.4(SOS2):c.355G>A (p.Gly119Arg)

Gene: SOS2 (SOS Ras/Rho guanine nucleotide exchange factor 2; minus strand). Cytogenetic location: 14q21.3.
Variant type: single nucleotide variant.
Coding change: c.355G>A on transcript NM_006939.4 (MANE Select); coding-DNA position 355, G replaced by A.
Protein change: p.Gly119Arg; replaces glycine 119 with arginine.
Molecular consequence: missense variant.
Genome position (GRCh38, 1-based): chr14:50,199,846, C>T on the plus strand (G>A on the coding strand, the complement: SOS2 is on the minus strand). VCF-style: chr14-50199846-C-T. GRCh37 (hg19) VCF-style: chr14-50666564-C-T.
Other names: c.355G>A, p.Gly119Arg (NM_001411020.1); short protein forms G119R.
Identifiers: ClinVar variation 3688244 (VCV003688244.2).

ClinVar aggregate classification (germline): Uncertain significance (1 of 4 stars; one submission).

Conditions:
Noonan syndrome 9 (NS9). Identifiers: Orphanet 648, MedGen C4225282, MONDO:0014691, OMIM 616559.

Submission:

Labcorp Genetics (formerly Invitae), Labcorp
Classification: Uncertain significance for Noonan syndrome 9. Last evaluated: 2024-04-25. Review status: criteria provided, single submitter. Criteria: Invitae Variant Classification Sherloc (09022015). Collection method: clinical testing. Allele origin: germline.
Comment: This sequence change replaces glycine, which is neutral and non-polar, with arginine, which is basic and polar, at codon 119 of the SOS2 protein (p.Gly119Arg). This variant is not present in population databases (gnomAD no frequency). This variant has not been reported in the literature in individuals affected with SOS2-related conditions. Advanced modeling of protein sequence and biophysical properties (such as structural, functional, and spatial information, amino acid conservation, physicochemical variation, residue mobility, and thermodynamic stability) performed at Invitae indicates that this missense variant is expected to disrupt SOS2 protein function with a positive predictive value of 80%. In summary, the available evidence is currently insufficient to determine the role of this variant in disease. Therefore, it has been classified as a Variant of Uncertain Significance.